The following is an entry in ClinVar:

ClinVar aggregate classification (germline): Uncertain significance. Review status: criteria provided, single submitter (1 of 4 stars). 2 submissions from 2 submitters: Uncertain significance (1). 1 of the submissions does not count toward it. Last evaluated 2026-03-01.

Conditions:
Hearing loss, autosomal dominant 85. Also called: Deafness, autosomal dominant 85. Identifiers: MedGen C5774302, MONDO:0859366, OMIM 620227.

Submissions (2):

CeGaT Center for Human Genetics Tuebingen
Classification: Uncertain significance. Last evaluated: 2026-03-01. Review status: criteria provided, single submitter. Criteria: CeGaT Center For Human Genetics Tuebingen Variant Classification Criteria Version 2. Collection method: clinical testing. Allele origin: germline. Affected: yes. Observed: 1 variant allele.
Comment: USP48: PM2, PS3:Supporting

OMIM
Classification: Pathogenic for DEAFNESS, AUTOSOMAL DOMINANT 85. Last evaluated: 2023-01-27. Review status: no assertion criteria provided. Collection method: literature only. Allele origin: germline. Not counted in ClinVar's aggregate classification.

Literature cited by the submitters: PubMed 34059922 (cited by OMIM).

NM_032236.8(USP48):c.2215_2216delinsTT (p.Thr739Leu)

Gene: USP48 (ubiquitin specific peptidase 48; minus strand). Cytogenetic location: 1p36.12.
Variant type: Indel.
Coding change: c.2215_2216delinsTT on transcript NM_032236.8 (MANE Select); coding-DNA positions 2215 to 2216, AC replaced by TT.
Protein change: p.Thr739Leu; replaces threonine 739 with leucine.
Molecular consequence: missense variant.
Genome position (GRCh38, 1-based): chr1:21,706,183-21,706,184, GT replaced by AA on the plus strand (AC replaced by TT on the coding strand, the reverse complement: USP48 is on the minus strand). VCF-style: chr1-21706183-GT-AA. GRCh37 (hg19) VCF-style: chr1-22032676-GT-AA.
Other names: T739L; c.2215_2216delinsTT, p.Thr739Leu (NM_001330394.3); c.2014_2015delinsTT, p.Thr672Leu (NM_001350164.2); c.2209_2210delinsTT, p.Thr737Leu (NM_001350166.2); c.2212_2213delinsTT, p.Thr738Leu (NM_001350167.2, NM_001350168.2); short protein forms T672L, T737L, T738L.
Identifiers: ClinVar variation 2443813 (VCV002443813.3), dbSNP rs2550305195, ClinGen allele CA2573334511.